The following is an entry in ClinVar:

NM_020207.7(ERCC6L2):c.59C>T (p.Pro20Leu)

Gene: ERCC6L2 (ERCC excision repair 6 like 2; plus strand). Cytogenetic location: 9q22.32.
Variant type: single nucleotide variant.
Coding change: c.59C>T on transcript NM_020207.7 (MANE Select); coding-DNA position 59, C replaced by T.
Protein change: p.Pro20Leu; replaces proline 20 with leucine.
Molecular consequence: missense variant. On other transcripts: non-coding transcript variant (1).
Genome position (GRCh38, 1-based): chr9:95,880,881, C>T. VCF-style: chr9-95880881-C-T. GRCh37 (hg19) VCF-style: chr9-98643163-C-T.
Other names: c.59C>T, p.Pro20Leu (NM_001010895.4, NM_001375291.1, NM_001375292.1 and 2 more transcripts); short protein forms P20L.
Identifiers: ClinVar variation 4250614 (VCV004250614.1).

ClinVar aggregate classification (germline): Uncertain significance (1 of 4 stars; one submission).

Conditions:
Inborn genetic diseases. Identifiers: MedGen C0950123, MeSH D030342.

gnomAD v4.1: 1 of 1,606,002 alleles (0.000062%); highest among the groups gnomAD compares: Non-Finnish European, 0.000085%; no homozygotes.

Submission:

Ambry Genetics
Classification: Uncertain significance for Inborn genetic diseases. Last evaluated: 2025-08-04. Review status: criteria provided, single submitter. Criteria: Ambry Variant Classification Scheme 2023. Collection method: clinical testing. Allele origin: germline.
Comment: The p.P20L variant (also known as c.59C>T), located in coding exon 2 of the ERCC6L2 gene, results from a C to T substitution at nucleotide position 59. The proline at codon 20 is replaced by leucine, an amino acid with similar properties. This amino acid position is conserved. In addition, the in silico prediction for this alteration is inconclusive. Based on the available evidence, the clinical significance of this variant remains unclear.